The following is an entry in ClinVar:

ClinVar aggregate classification (germline): Likely benign. Review status: criteria provided, multiple submitters, no conflicts (2 of 4 stars). 2 submissions from 2 submitters: Likely benign (2). Last evaluated 2026-01-11.

Conditions:
Familial hemophagocytic lymphohistiocytosis 5. Also called: STXBP2-Related Familial Hemophagocytic Lymphohistiocytosis (STXBP2-fHLH). Identifiers: Orphanet 540, MedGen C2751293, MONDO:0013135, OMIM 613101.

Allele frequency attached by ClinVar (database versions not stated): gnomAD exomes 0.00001 and 0.00002; ExAC 0.00005; ESP Exome Variant Server 0.00015; gnomAD 0.00015 and 0.00017; TOPMed 0.00020.
gnomAD v4.1: 36 of 1,613,448 alleles (0.0022%); highest among the groups gnomAD compares: African/African-American, 0.043%; no homozygotes.

Submissions (2):

Labcorp Genetics (formerly Invitae), Labcorp
Classification: Likely benign for Familial hemophagocytic lymphohistiocytosis 5. Last evaluated: 2026-01-11. Review status: criteria provided, single submitter. Criteria: Invitae Variant Classification Sherloc (09022015). Collection method: clinical testing. Allele origin: germline.

Mayo Clinic Laboratories, Mayo Clinic
Classification: Likely benign. Last evaluated: 2025-10-06. Review status: criteria provided, single submitter. Criteria: ACMG Guidelines, 2015. Collection method: clinical testing. Allele origin: germline. Observed: 1 variant allele.
Comment: BP4, BP7

NM_006949.4(STXBP2):c.1246+8G>A

Gene: STXBP2 (syntaxin binding protein 2; plus strand). Cytogenetic location: 19p13.2.
Variant type: single nucleotide variant.
Coding change: c.1246+8G>A on transcript NM_006949.4 (MANE Select); 8 bases into the intron after coding-DNA position 1246, G replaced by A.
Molecular consequence: intron variant.
Genome position (GRCh38, 1-based): chr19:7,644,760, G>A. VCF-style: chr19-7644760-G-A. GRCh37 (hg19) VCF-style: chr19-7709646-G-A.
Other names: p.?; c.1279+8G>A (NM_001272034.2); c.1237+8G>A (NM_001127396.3).
Identifiers: ClinVar variation 1386493 (VCV001386493.7), dbSNP rs371596126, ClinGen allele CA9144040.